The following is an entry in ClinVar:

ClinVar aggregate classification (germline): Conflicting classifications of pathogenicity. Review status: criteria provided, conflicting classifications (1 of 4 stars). 2 submissions from 2 submitters: Uncertain significance (1); Likely benign (1). Last evaluated 2026-03-01.

Allele frequency attached by ClinVar (database versions not stated): gnomAD exomes 0.00004; TOPMed 0.00006; ExAC 0.00007; gnomAD 0.00001.
gnomAD v4.1: 24 of 1,614,082 alleles (0.0015%); highest among the groups gnomAD compares: Admixed American, 0.025%; no homozygotes.

Submissions (2):

CeGaT Center for Human Genetics Tuebingen
Classification: Likely benign. Last evaluated: 2026-03-01. Review status: criteria provided, single submitter. Criteria: CeGaT Center For Human Genetics Tuebingen Variant Classification Criteria Version 2. Collection method: clinical testing. Allele origin: germline. Affected: yes. Observed: 1 variant allele.
Comment: ASH1L: BP4

Women's Health and Genetics/Laboratory Corporation of America, LabCorp
Classification: Uncertain significance. Last evaluated: 2024-04-15. Review status: criteria provided, single submitter. Criteria: LabCorp Variant Classification Summary - May 2015. Collection method: clinical testing. Allele origin: germline.
Comment: Variant summary: ASH1L c.3383T>C (p.Val1128Ala) results in a non-conservative amino acid change in the encoded protein sequence. Three of five in-silico tools predict a damaging effect of the variant on protein function. The variant allele was found at a frequency of 4.8e-05 in 250924 control chromosomes. To our knowledge, no occurrence of c.3383T>C in individuals affected with Intellectual Disability, Autosomal Dominant 52 and no experimental evidence demonstrating its impact on protein function have been reported. No submitters have cited clinical-significance assessments for this variant to ClinVar. Based on the evidence outlined above, the variant was classified as uncertain significance.

NM_018489.3(ASH1L):c.3383T>C (p.Val1128Ala)

Gene: ASH1L (ASH1 like histone lysine methyltransferase; minus strand). Cytogenetic location: 1q22.
Variant type: single nucleotide variant.
Coding change: c.3383T>C on transcript NM_018489.3 (MANE Select); coding-DNA position 3383, T replaced by C.
Protein change: p.Val1128Ala; replaces valine 1128 with alanine.
Molecular consequence: missense variant.
Genome position (GRCh38, 1-based): chr1:155,479,487, A>G on the plus strand (T>C on the coding strand, the complement: ASH1L is on the minus strand). VCF-style: chr1-155479487-A-G. GRCh37 (hg19) VCF-style: chr1-155449278-A-G.
Other names: c.3383T>C, p.Val1128Ala (NM_001366177.2); short protein forms V1128A.
Identifiers: ClinVar variation 3251265 (VCV003251265.5), dbSNP rs763496981.